The following is an entry in ClinVar:

NM_032730.5(RTN4IP1):c.928C>T (p.Arg310Ter)

Gene: RTN4IP1 (reticulon 4 interacting protein 1; minus strand). Cytogenetic location: 6q21.
Variant type: single nucleotide variant.
Coding change: c.928C>T on transcript NM_032730.5 (MANE Select); coding-DNA position 928, C replaced by T.
Protein change: p.Arg310Ter; replaces arginine 310 with a stop codon.
Molecular consequence: nonsense.
Genome position (GRCh38, 1-based): chr6:106,587,741, G>A on the plus strand (C>T on the coding strand, the complement: RTN4IP1 is on the minus strand). VCF-style: chr6-106587741-G-A. GRCh37 (hg19) VCF-style: chr6-107035616-G-A.
Other names: c.628C>T, p.Arg210Ter (NM_001318746.1); short protein forms R210*, R310*.
Identifiers: ClinVar variation 2980753 (VCV002980753.25), dbSNP rs536455406, ClinGen allele CA144971493.
Genomic context (GRCh38, chr6:106,587,741, plus strand): 5'-TTAATGCCTTTGAACCTACAGTGACTCCTGTCTGCAACATGCCATCTGCTATGCCCAATC[G>A]GTCCATGTTCAGGAGGAAAGGAGTCACCAAAGTCACATAGGTGGCTCCTGACCATTTCTT-3'

ClinVar aggregate classification (germline): Pathogenic. Review status: criteria provided, multiple submitters, no conflicts (2 of 4 stars). 2 submissions from 2 submitters: Pathogenic (2). Last evaluated 2024-01-01.

Allele frequency attached by ClinVar (database versions not stated): gnomAD exomes below 0.00001.
gnomAD v4.1: 5 of 1,613,788 alleles (0.00031%); highest among the groups gnomAD compares: South Asian, 0.0011%; no homozygotes.

Submissions (2):

CeGaT Center for Human Genetics Tuebingen
Classification: Pathogenic. Last evaluated: 2024-01-01. Review status: criteria provided, single submitter. Criteria: CeGaT Center For Human Genetics Tuebingen Variant Classification Criteria Version 2. Collection method: clinical testing. Allele origin: germline. Affected: yes. Observed: 1 variant allele.
Comment: RTN4IP1: PVS1, PM2

Labcorp Genetics (formerly Invitae), Labcorp
Classification: Pathogenic. Last evaluated: 2023-12-14. Review status: criteria provided, single submitter. Criteria: Invitae Variant Classification Sherloc (09022015). Collection method: clinical testing. Allele origin: germline.
Comment: This sequence change creates a premature translational stop signal (p.Arg310*) in the RTN4IP1 gene. It is expected to result in an absent or disrupted protein product. Loss-of-function variants in RTN4IP1 are known to be pathogenic (PMID: 26593267). This variant is not present in population databases (gnomAD no frequency). This variant has not been reported in the literature in individuals affected with RTN4IP1-related conditions. For these reasons, this variant has been classified as Pathogenic.

Literature cited by the submitters: PubMed 26593267 (cited by Labcorp Genetics (formerly Invitae), Labcorp).